The following is an entry in ClinVar:

NM_007315.4(STAT1):c.63T>C (p.Leu21=)

Gene: STAT1 (signal transducer and activator of transcription 1; minus strand). Cytogenetic location: 2q32.2.
Variant type: single nucleotide variant.
Coding change: c.63T>C on transcript NM_007315.4 (MANE Select); coding-DNA position 63, T replaced by C.
Protein change: p.Leu21=; no amino-acid change (leucine 21 retained).
Molecular consequence: synonymous variant.
Genome position (GRCh38, 1-based): chr2:191,009,941, A>G on the plus strand (T>C on the coding strand, the complement: STAT1 is on the minus strand). VCF-style: chr2-191009941-A-G. GRCh37 (hg19) VCF-style: chr2-191874667-A-G.
Other names: p.Leu21=; c.63T>C, p.Leu21= (NM_001384880.1, NM_001384882.1, NM_001384883.1 and 8 more transcripts); c.69T>C, p.Leu23= (NM_001384881.1, NM_001384884.1).
Identifiers: ClinVar variation 333293 (VCV000333293.20), dbSNP rs2066802, ClinGen allele CA2030329.
Genomic context (GRCh38, chr2:191,009,941, plus strand): 5'-TTGCTTTTCTAACCACTGTGCCAGGTACTGTCTGATTTCCATGGGAAAACTGTCATCATA[A>G]AGCTGGTGAACCTGCTCCAGGAATTTTGAGTCAAGCTGCTGAAGTTCGTACCACTGAGAC-3'
Protein context (NP_009330.1, residues 11-31): DSKFLEQVHQ[Leu21=]YDDSFPMEIR

ClinVar aggregate classification (germline): Benign/Likely benign. Review status: criteria provided, multiple submitters, no conflicts (2 of 4 stars). 7 submissions from 7 submitters: Benign (6); Likely benign (1). Last evaluated 2026-02-04.

Conditions:
Immunodeficiency 31B. Also called: STAT1 DEFICIENCY, AUTOSOMAL RECESSIVE; IMMUNODEFICIENCY 31B, MYCOBACTERIAL AND VIRAL INFECTIONS, AUTOSOMAL RECESSIVE. Identifiers: Orphanet 391311, MedGen C3151088, MONDO:0013427, OMIM 613796.
Autoimmune enteropathy and endocrinopathy - susceptibility to chronic infections syndrome. Also called: Immunodeficiency 31C; Immunodeficiency 31C, autosomal dominant. Identifiers: Orphanet 391487, MedGen C3279990, MONDO:0013599, OMIM 614162.
Mendelian susceptibility to mycobacterial diseases due to partial STAT1 deficiency. Also called: IMMUNODEFICIENCY 31A, MYCOBACTERIOSIS, AUTOSOMAL DOMINANT; STAT1 DEFICIENCY, AUTOSOMAL DOMINANT; Immunodeficiency 31a. Identifiers: Orphanet 319595, MedGen C4013950, MONDO:0013956, OMIM 614892.

Allele frequency attached by ClinVar (database versions not stated): ExAC 0.08538; 1000 Genomes Project 30x 0.10821; 1000 Genomes Project 0.11462; ESP Exome Variant Server 0.06551; gnomAD 0.06562 and 0.07067; gnomAD exomes 0.06951 and 0.08309; TOPMed 0.06986.
gnomAD v4.1: 113,018 of 1,613,936 alleles (7%); highest among the groups gnomAD compares: East Asian, 23%; 5,340 homozygotes.

Submissions (7):

Labcorp Genetics (formerly Invitae), Labcorp
Classification: Benign for Mendelian susceptibility to mycobacterial diseases due to partial STAT1 deficiency; Immunodeficiency 31B; Autoimmune enteropathy and endocrinopathy - susceptibility to chronic infections syndrome. Last evaluated: 2026-02-04. Review status: criteria provided, single submitter. Criteria: Invitae Variant Classification Sherloc (09022015). Collection method: clinical testing. Allele origin: germline.

Blueprint Genetics
Classification: Likely benign. Last evaluated: 2024-11-26. Review status: criteria provided, single submitter. Criteria: ACMG Guidelines, 2015. Collection method: clinical testing. Allele origin: germline.

Mayo Clinic Laboratories, Mayo Clinic
Classification: Benign. Last evaluated: 2019-05-01. Review status: criteria provided, single submitter. Criteria: ACMG Guidelines, 2015. Collection method: clinical testing. Allele origin: germline. Observed: 106 variant alleles.

GeneDx
Classification: Benign. Last evaluated: 2018-11-12. Review status: criteria provided, single submitter. Criteria: GeneDx Variant Classification Process June 2021. Collection method: clinical testing. Allele origin: germline. Affected: yes.

Illumina Laboratory Services, Illumina
Classification: Benign for Mendelian susceptibility to mycobacterial diseases due to partial STAT1 deficiency. Last evaluated: 2018-01-13. Review status: criteria provided, single submitter. Criteria: ICSL Variant Classification Criteria 13 December 2019. Collection method: clinical testing. Allele origin: germline.
Comment: This variant was observed in the ICSL laboratory as part of a predisposition screen in an ostensibly healthy population. It had not been previously curated by ICSL or reported in the Human Gene Mutation Database (HGMD: prior to June 1st, 2018), and was therefore a candidate for classification through an automated scoring system. Utilizing variant allele frequency, disease prevalence and penetrance estimates, and inheritance mode, an automated score was calculated to assess if this variant is too frequent to cause the disease. Based on the score and internal cut-off values, a variant classified as benign is not then subjected to further curation. The score for this variant resulted in a classification of benign for this disease.

Laboratory for Molecular Medicine, Mass General Brigham Personalized Medicine
Classification: Benign. Last evaluated: 2016-03-29. Review status: criteria provided, single submitter. Criteria: LMM Criteria. Collection method: clinical testing. Allele origin: germline.
Comment: Variant identified in a genome or exome case(s) and assessed due to predicted null impact of the variant or pathogenic assertions in the literature or databases. Disclaimer: This variant has not undergone full assessment. The following are preliminary notes: MAF

Breakthrough Genomics
Classification: Benign. Review status: criteria provided, single submitter. Criteria: ACMG Guidelines, 2015. Collection method: not provided. Allele origin: germline. Inheritance: Autosomal recessive inheritance. Affected: yes.